The following is an entry in ClinVar:

NM_182919.4(TICAM1):c.1267G>A (p.Asp423Asn)

Gene: TICAM1 (TIR domain containing adaptor molecule 1; minus strand). Cytogenetic location: 19p13.3.
Variant type: single nucleotide variant.
Coding change: c.1267G>A on transcript NM_182919.4 (MANE Select); coding-DNA position 1267, G replaced by A.
Protein change: p.Asp423Asn; replaces aspartic acid 423 with asparagine.
Molecular consequence: missense variant.
Genome position (GRCh38, 1-based): chr19:4,817,111, C>T on the plus strand (G>A on the coding strand, the complement: TICAM1 is on the minus strand). VCF-style: chr19-4817111-C-T. GRCh37 (hg19) VCF-style: chr19-4817123-C-T.
Other names: c.1225G>A, p.Asp409Asn (NM_001385678.1); c.1132G>A, p.Asp378Asn (NM_001385679.1); c.625G>A, p.Asp209Asn (NM_001385680.1); short protein forms D409N, D423N, D378N, D209N.
Identifiers: ClinVar variation 1407258 (VCV001407258.5), dbSNP rs758048210, ClinGen allele CA9105162.

ClinVar aggregate classification (germline): Uncertain significance (1 of 4 stars; one submission).

Conditions:
Encephalopathy, acute, infection-induced (herpes-specific), susceptibility to, 6. Also called: Herpes simplex encephalitis, susceptibility to, 4. Identifiers: Orphanet 1930, MedGen C3553869, MONDO:0013921, OMIM 614850.

Allele frequency attached by ClinVar (database versions not stated): ExAC 0.00003; TOPMed below 0.00001; gnomAD exomes 0.00003.
gnomAD v4.1: 42 of 1,614,130 alleles (0.0026%); highest among the groups gnomAD compares: Non-Finnish European, 0.0034%; no homozygotes.

Submission:

Labcorp Genetics (formerly Invitae), Labcorp
Classification: Uncertain significance for Encephalopathy, acute, infection-induced (herpes-specific), susceptibility to, 6. Last evaluated: 2021-08-30. Review status: criteria provided, single submitter. Criteria: Invitae Variant Classification Sherloc (09022015). Collection method: clinical testing. Allele origin: germline.
Comment: This sequence change replaces aspartic acid with asparagine at codon 423 of the TICAM1 protein (p.Asp423Asn). The aspartic acid residue is moderately conserved and there is a small physicochemical difference between aspartic acid and asparagine. This variant is present in population databases (rs758048210, ExAC 0.006%). This variant has not been reported in the literature in individuals affected with TICAM1-related conditions. Algorithms developed to predict the effect of missense changes on protein structure and function are either unavailable or do not agree on the potential impact of this missense change (SIFT: "Tolerated"; PolyPhen-2: "Possibly Damaging"; Align-GVGD: "Class C0"). In summary, the available evidence is currently insufficient to determine the role of this variant in disease. Therefore, it has been classified as a Variant of Uncertain Significance.